The following is an entry in ClinVar:

NM_000404.4(GLB1):c.76-1G>T

Gene: GLB1 (galactosidase beta 1; minus strand). Cytogenetic location: 3p22.3.
Variant type: single nucleotide variant.
Coding change: c.76-1G>T on transcript NM_000404.4 (MANE Select); the canonical splice acceptor site of the intron before coding-DNA position 76, G replaced by T.
Molecular consequence: splice acceptor variant.
Genome position (GRCh38, 1-based): chr3:33,072,714, C>A on the plus strand (G>T on the coding strand, the complement: GLB1 is on the minus strand). VCF-style: chr3-33072714-C-A. GRCh37 (hg19) VCF-style: chr3-33114206-C-A.
Other names: c.76-1G>T (NM_001393580.1, NM_001135602.3); c.220-1G>T (NM_001317040.2); c.-15-1G>T (NM_001079811.3).
Identifiers: ClinVar variation 2946862 (VCV002946862.3), dbSNP rs2471449819, ClinGen allele CA351997123.

ClinVar aggregate classification (germline): Likely pathogenic (1 of 4 stars; one submission).

Conditions:
Mucopolysaccharidosis, MPS-IV-B (MPS4B). Also called: Mucopolysaccharidosis type 4B; Mucopolysaccharidosis type IVB (Morquio); MPS IVB; MORQUIO SYNDROME B; Mucopolysaccharidosis type IV B; Mucopolysaccharidosis Type IVB. Identifiers: Orphanet 309310, Orphanet 582, MedGen C0086652, MONDO:0009660, OMIM 253010.
GM1 gangliosidosis. Identifiers: Orphanet 354, MedGen C0085131, MONDO:0018149.

Submission:

Labcorp Genetics (formerly Invitae), Labcorp
Classification: Likely pathogenic for Mucopolysaccharidosis, MPS-IV-B; GM1 gangliosidosis. Last evaluated: 2023-04-17. Review status: criteria provided, single submitter. Criteria: Invitae Variant Classification Sherloc (09022015). Collection method: clinical testing. Allele origin: germline.
Comment: In summary, the currently available evidence indicates that the variant is pathogenic, but additional data are needed to prove that conclusively. Therefore, this variant has been classified as Likely Pathogenic. Algorithms developed to predict the effect of sequence changes on RNA splicing suggest that this variant may disrupt the consensus splice site. This variant has not been reported in the literature in individuals affected with GLB1-related conditions. This variant is not present in population databases (gnomAD no frequency). This sequence change affects an acceptor splice site in intron 1 of the GLB1 gene. It is expected to disrupt RNA splicing. Variants that disrupt the donor or acceptor splice site typically lead to a loss of protein function (PMID: 16199547), and loss-of-function variants in GLB1 are known to be pathogenic (PMID: 18524657).

Literature cited by the submitters: PubMed 16199547; PubMed 18524657.